The following is an entry in ClinVar:

ClinVar aggregate classification (germline): Conflicting classifications of pathogenicity. Review status: criteria provided, conflicting classifications (1 of 4 stars). 3 submissions from 2 submitters: Uncertain significance (2); Likely benign (1). Last evaluated 2025-05-22.

Conditions:
Transitory neonatal diabetes mellitus. Also called: Transient neonatal diabetes mellitus. Identifiers: MedGen C0342273, MONDO:0020525, HP:0008255.
Maturity-onset diabetes of the young (MODY). Also called: Maturity onset diabetes mellitus in young. Identifiers: Orphanet 552, MedGen C0342276, MONDO:0018911, HP:0004904.

Allele frequency attached by ClinVar (database versions not stated): gnomAD exomes below 0.00001; ExAC 0.00001.
gnomAD v4.1: 4 of 1,614,160 alleles (0.00025%); highest among the groups gnomAD compares: South Asian, 0.0033%; 1 homozygote.

Submissions (3):

Labcorp Genetics (formerly Invitae), Labcorp
Classification: Likely benign. Last evaluated: 2025-05-22. Review status: criteria provided, single submitter. Criteria: Invitae Variant Classification Sherloc (09022015). Collection method: clinical testing. Allele origin: germline.

Clinical Genomics, Uppaluri K&H Personalized Medicine Clinic
Classification: Uncertain significance for Maturity-onset diabetes of the young. Review status: criteria provided, single submitter. Criteria: K & H Uppaluri Personalized Medicine Clinic Variant Classification & Assertion Criteria_Updated V.1. Collection method: research. Allele origin: unknown. Inheritance: Somatic mutation.
Comment: Mutations in ABCC8 gene are associated with both neonatal diabetes mellitus as well as MODY. Patients with this mutation may have a better response to sulfonylureas. However, no sufficient evidence is found to ascertain the role of this particular variant ( rs774603418) in MODY yet.

Clinical Genomics, Uppaluri K&H Personalized Medicine Clinic
Classification: Uncertain significance for Transitory neonatal diabetes mellitus. Review status: criteria provided, single submitter. Criteria: K & H Uppaluri Personalized Medicine Clinic Variant Classification & Assertion Criteria_Updated V.1. Collection method: research. Allele origin: unknown. Inheritance: Somatic mutation.
Comment: Mutations in ABCC8 gene are associated with both neonatal diabetes mellitus as well as MODY. Patients with this mutation may have a better response to sulfonylureas. However, no sufficient evidence is found to ascertain the role of this particular variant (rs774603418) in neonatal diabetes yet.

Literature cited by the submitters: PubMed 16885549 (cited by Clinical Genomics, Uppaluri K&H Personalized Medicine Clinic); PubMed 21989597 (cited by Clinical Genomics, Uppaluri K&H Personalized Medicine Clinic); PubMed 27538677 (cited by Clinical Genomics, Uppaluri K&H Personalized Medicine Clinic); PubMed 18981553 (cited by Clinical Genomics, Uppaluri K&H Personalized Medicine Clinic); PubMed 32027066 (cited by Clinical Genomics, Uppaluri K&H Personalized Medicine Clinic); PubMed 16613899 (cited by Clinical Genomics, Uppaluri K&H Personalized Medicine Clinic); PubMed 18025408 (cited by Clinical Genomics, Uppaluri K&H Personalized Medicine Clinic); PubMed 32792356 (cited by Clinical Genomics, Uppaluri K&H Personalized Medicine Clinic).

NM_000352.6(ABCC8):c.2880C>T (p.Ser960=)

Gene: ABCC8 (ATP binding cassette subfamily C member 8; minus strand). Cytogenetic location: 11p15.1.
Variant type: single nucleotide variant.
Coding change: c.2880C>T on transcript NM_000352.6 (MANE Select); coding-DNA position 2880, C replaced by T.
Protein change: p.Ser960=; no amino-acid change (serine 960 retained).
Molecular consequence: synonymous variant. On other transcripts: non-coding transcript variant (1).
Genome position (GRCh38, 1-based): chr11:17,407,394, G>A on the plus strand (C>T on the coding strand, the complement: ABCC8 is on the minus strand). VCF-style: chr11-17407394-G-A. GRCh37 (hg19) VCF-style: chr11-17428941-G-A.
Other names: c.2883C>T, p.Ser961= (NM_001287174.3); c.2946C>T, p.Ser982= (NM_001351295.2); c.2880C>T, p.Ser960= (NM_001351296.2); c.2877C>T, p.Ser959= (NM_001351297.2).
Identifiers: ClinVar variation 754833 (VCV000754833.11), dbSNP rs774603418, ClinGen allele CA5902993.